The following is an entry in ClinVar:

ClinVar aggregate classification (germline): Likely benign. Review status: criteria provided, single submitter (1 of 4 stars). 2 submissions from 2 submitters: Likely benign (1). 1 of the submissions does not count toward it. Last evaluated 2025-01-07.

Conditions:
CARMIL2-related disorder. Also called: CARMIL2-related condition.

Allele frequency attached by ClinVar (database versions not stated): gnomAD 0.00001; ExAC 0.00003; TOPMed 0.00003.
gnomAD v4.1: 16 of 1,406,316 alleles (0.0011%); highest among the groups gnomAD compares: Admixed American, 0.002%; no homozygotes.

Submissions (2):

Labcorp Genetics (formerly Invitae), Labcorp
Classification: Likely benign. Last evaluated: 2025-01-07. Review status: criteria provided, single submitter. Criteria: Invitae Variant Classification Sherloc (09022015). Collection method: clinical testing. Allele origin: germline.

PreventionGenetics, part of Exact Sciences
Classification: Likely benign for CARMIL2-related condition. Last evaluated: 2019-07-15. Review status: no assertion criteria provided. Collection method: clinical testing. Allele origin: germline. Not counted in ClinVar's aggregate classification.
Comment: This variant is classified as likely benign based on ACMG/AMP sequence variant interpretation guidelines (Richards et al. 2015 PMID: 25741868, with internal and published modifications).

NM_001013838.3(CARMIL2):c.954G>A (p.Pro318=)

Gene: CARMIL2 (capping protein regulator and myosin 1 linker 2; plus strand). Cytogenetic location: 16q22.1.
Variant type: single nucleotide variant.
Coding change: c.954G>A on transcript NM_001013838.3 (MANE Select); coding-DNA position 954, G replaced by A.
Protein change: p.Pro318=; no amino-acid change (proline 318 retained).
Molecular consequence: synonymous variant.
Genome position (GRCh38, 1-based): chr16:67,647,762, G>A. VCF-style: chr16-67647762-G-A. GRCh37 (hg19) VCF-style: chr16-67681665-G-A.
Other names: c.954G>A, p.Pro318= (NM_001317026.3); c.954G>A (NM_001013838.1).
Identifiers: ClinVar variation 2179991 (VCV002179991.6), dbSNP rs745366415, ClinGen allele CA8113282.